The following is an entry in ClinVar:

NM_001267550.2(TTN):c.101609C>G (p.Ala33870Gly)

Genes: TTN (titin; minus strand), TTN-AS1 (TTN antisense RNA 1; plus strand). Cytogenetic location: 2q31.2.
Variant type: single nucleotide variant.
Coding change: c.101609C>G on transcript NM_001267550.2 (MANE Select); coding-DNA position 101609, C replaced by G.
Protein change: p.Ala33870Gly; replaces alanine 33870 with glycine.
Molecular consequence: missense variant.
Genome position (GRCh38, 1-based): chr2:178,535,006, G>C on the plus strand (C>G on the coding strand, the complement: TTN is on the minus strand). VCF-style: chr2-178535006-G-C. GRCh37 (hg19) VCF-style: chr2-179399733-G-C.
Other names: c.96686C>G, p.Ala32229Gly (NM_001256850.1); c.74414C>G, p.Ala24805Gly (NM_003319.4); c.93905C>G, p.Ala31302Gly (NM_133378.4); c.74789C>G, p.Ala24930Gly (NM_133432.3); c.74990C>G, p.Ala24997Gly (NM_133437.4); short protein forms A32229G, A33870G, A24805G, A24930G, A24997G, A31302G.
Identifiers: ClinVar variation 1758936 (VCV001758936.8), dbSNP rs935055445, ClinGen allele CA60959831.

ClinVar aggregate classification (germline): Conflicting classifications of pathogenicity. Review status: criteria provided, conflicting classifications (1 of 4 stars). 4 submissions from 4 submitters: Uncertain significance (3); Likely benign (1). Last evaluated 2025-08-26.

Conditions:
Cardiovascular phenotype. Identifiers: MedGen CN230736.
Autosomal recessive limb-girdle muscular dystrophy type 2J (LGMDR10). Also called: Limb-girdle muscular dystrophy, type 2J; MUSCULAR DYSTROPHY, LIMB-GIRDLE, AUTOSOMAL RECESSIVE 10. Identifiers: Orphanet 140922, MedGen C1837342, MONDO:0012127, OMIM 608807.
Dilated cardiomyopathy 1G (CMD1G). Identifiers: Orphanet 154, MedGen C1858763, MONDO:0011400, OMIM 604145.

Allele frequency attached by ClinVar (database versions not stated): gnomAD exomes 0.00001.
gnomAD v4.1: 7 of 1,613,756 alleles (0.00043%); highest among the groups gnomAD compares: Non-Finnish European, 0.00059%; no homozygotes.

Submissions (4):

Labcorp Genetics (formerly Invitae), Labcorp
Classification: Uncertain significance for Dilated cardiomyopathy 1G; Autosomal recessive limb-girdle muscular dystrophy type 2J. Last evaluated: 2025-08-26. Review status: criteria provided, single submitter. Criteria: Invitae Variant Classification Sherloc (09022015). Collection method: clinical testing. Allele origin: germline.
Comment: This sequence change replaces alanine, which is neutral and non-polar, with glycine, which is neutral and non-polar, at codon 33870 of the TTN protein (p.Ala33870Gly). This variant is present in population databases (no rsID available, gnomAD 0.0009%). This variant has not been reported in the literature in individuals affected with TTN-related conditions. ClinVar contains an entry for this variant (Variation ID: 1758936). Experimental studies and prediction algorithms are not available or were not evaluated, and the functional significance of this variant is currently unknown. This variant is located in the M band of TTN (PMID: 25589632). Non-truncating variants in this region may be relevant for neuromuscular disorders, but have not been definitively shown to cause cardiomyopathy (PMID: 23975875). In summary, the available evidence is currently insufficient to determine the role of this variant in disease. Therefore, it has been classified as a Variant of Uncertain Significance.

Blueprint Genetics
Classification: Likely benign. Last evaluated: 2021-03-17. Review status: criteria provided, single submitter. Criteria: ACMG Guidelines, 2015. Collection method: clinical testing. Allele origin: germline.

Revvity Omics, Revvity
Classification: Uncertain significance. Last evaluated: 2021-03-01. Review status: criteria provided, single submitter. Criteria: ACMG Guidelines, 2015. Collection method: clinical testing. Allele origin: germline.

Ambry Genetics
Classification: Uncertain significance for Cardiovascular phenotype. Last evaluated: 2020-08-31. Review status: criteria provided, single submitter. Criteria: Ambry Variant Classification Scheme 2023. Collection method: clinical testing. Allele origin: germline.
Comment: The p.A24805G variant (also known as c.74414C>G), located in coding exon 185 of the TTN gene, results from a C to G substitution at nucleotide position 74414. The alanine at codon 24805 is replaced by glycine, an amino acid with similar properties. This amino acid position is well conserved in available vertebrate species; however, glycine is the reference amino acid in other vertebrate species. In addition, the in silico prediction for this alteration is inconclusive. Since supporting evidence is limited at this time, the clinical significance of this alteration remains unclear.

Literature cited by the submitters: PubMed 25589632 (cited by Labcorp Genetics (formerly Invitae), Labcorp); PubMed 23975875 (cited by Labcorp Genetics (formerly Invitae), Labcorp).